The following is an entry in ClinVar:

ClinVar aggregate classification (germline): Benign. Review status: criteria provided, single submitter (1 of 4 stars). 2 submissions from 2 submitters: Benign (1). 1 of the submissions does not count toward it. Last evaluated 2026-01-18.

Conditions:
MCM3AP-related disorder. Also called: MCM3AP-related condition.

Allele frequency attached by ClinVar (database versions not stated): gnomAD exomes 0.00032 and 0.00092; gnomAD 0.00033 and 0.00044; TOPMed 0.00049; ExAC 0.00078; 1000 Genomes Project 30x 0.00172; 1000 Genomes Project 0.00200.
gnomAD v4.1: 536 of 1,613,980 alleles (0.033%); highest among the groups gnomAD compares: East Asian, 1.1%; 4 homozygotes.

Submissions (2):

Labcorp Genetics (formerly Invitae), Labcorp
Classification: Benign. Last evaluated: 2026-01-18. Review status: criteria provided, single submitter. Criteria: Invitae Variant Classification Sherloc (09022015). Collection method: clinical testing. Allele origin: germline.

PreventionGenetics, part of Exact Sciences
Classification: Benign for MCM3AP-related condition. Last evaluated: 2019-08-07. Review status: no assertion criteria provided. Collection method: clinical testing. Allele origin: germline. Not counted in ClinVar's aggregate classification.
Comment: This variant is classified as benign based on ACMG/AMP sequence variant interpretation guidelines (Richards et al. 2015 PMID: 25741868, with internal and published modifications).

NM_003906.5(MCM3AP):c.3184G>A (p.Val1062Met)

Gene: MCM3AP (minichromosome maintenance complex component 3 associated protein; minus strand). Cytogenetic location: 21q22.3.
Variant type: single nucleotide variant.
Coding change: c.3184G>A on transcript NM_003906.5 (MANE Select); coding-DNA position 3184, G replaced by A.
Protein change: p.Val1062Met; replaces valine 1062 with methionine.
Molecular consequence: missense variant.
Genome position (GRCh38, 1-based): chr21:46,265,371, C>T on the plus strand (G>A on the coding strand, the complement: MCM3AP is on the minus strand). VCF-style: chr21-46265371-C-T. GRCh37 (hg19) VCF-style: chr21-47685285-C-T.
Other names: c.3184G>A (NM_003906.4); short protein forms V1062M.
Identifiers: ClinVar variation 1652376 (VCV001652376.10), dbSNP rs17182857, ClinGen allele CA10076602.